The following is an entry in ClinVar:

NM_000548.5(TSC2):c.421G>A (p.Glu141Lys)

Gene: TSC2 (TSC complex subunit 2; plus strand). Cytogenetic location: 16p13.3.
Variant type: single nucleotide variant.
Coding change: c.421G>A on transcript NM_000548.5 (MANE Select); coding-DNA position 421, G replaced by A.
Protein change: p.Glu141Lys; replaces glutamic acid 141 with lysine.
Molecular consequence: missense variant. On other transcripts: 5 prime UTR variant (14), non-coding transcript variant (5), intron variant (6).
Genome position (GRCh38, 1-based): chr16:2,054,380, G>A. VCF-style: chr16-2054380-G-A. GRCh37 (hg19) VCF-style: chr16-2104381-G-A.
Other names: c.421G>A, p.Glu141Lys (NM_001077183.3, NM_001114382.3, NM_001363528.2 and 8 more transcripts); c.310G>A, p.Glu104Lys (NM_001318827.2, NM_001406670.1, NM_001406678.1); c.274G>A, p.Glu92Lys (NM_001318829.2, NM_001406679.1, NM_001406675.1 and 1 more transcripts); c.454G>A, p.Glu152Lys (NM_001318832.2); c.-396G>A (NM_001406680.1, NM_001406683.1, NM_001406687.1); c.-25G>A (NM_001406681.1); c.-1011G>A (NM_001406689.1, NM_001406690.1, NM_001406691.1 and 2 more transcripts); c.-1227G>A (NM_001406693.1); and 6 more; short protein forms E152K, E92K, E141K, E122K, E104K, E171K.
Identifiers: ClinVar variation 3637174 (VCV003637174.2).

ClinVar aggregate classification (germline): Uncertain significance (1 of 4 stars; one submission).

Conditions:
Tuberous sclerosis 2 (TSC2). Identifiers: Orphanet 805, MedGen C1860707, MONDO:0013199, OMIM 613254.

Submission:

Labcorp Genetics (formerly Invitae), Labcorp
Classification: Uncertain significance for Tuberous sclerosis 2. Last evaluated: 2024-10-07. Review status: criteria provided, single submitter. Criteria: Invitae Variant Classification Sherloc (09022015). Collection method: clinical testing. Allele origin: germline.
Comment: This sequence change replaces glutamic acid, which is acidic and polar, with lysine, which is basic and polar, at codon 141 of the TSC2 protein (p.Glu141Lys). This variant is not present in population databases (gnomAD no frequency). This variant has not been reported in the literature in individuals affected with TSC2-related conditions. Invitae Evidence Modeling of protein sequence and biophysical properties (such as structural, functional, and spatial information, amino acid conservation, physicochemical variation, residue mobility, and thermodynamic stability) indicates that this missense variant is not expected to disrupt TSC2 protein function with a negative predictive value of 95%. In summary, the available evidence is currently insufficient to determine the role of this variant in disease. Therefore, it has been classified as a Variant of Uncertain Significance.